The following is an entry in ClinVar:

ClinVar aggregate classification (germline): Likely benign (3 of 4 stars; one submission).

Conditions:
Open-angle glaucoma. Identifiers: MedGen C0017612, MONDO:0005338, HP:0012108.

Allele frequency attached by ClinVar (database versions not stated): gnomAD exomes 0.00001; ExAC 0.00005; gnomAD 0.00001; 1000 Genomes Project 30x 0.00016; 1000 Genomes Project 0.00020.

Submission:

ClinGen Glaucoma Variant Curation Expert Panel
Classification: Likely benign for Open-angle glaucoma. Last evaluated: 2026-01-20. Review status: reviewed by expert panel. Criteria: ClinGen Glaucoma ACMG Specifications V2.0.0 Approved. Collection method: curation. Allele origin: germline. Inheritance: Autosomal dominant inheritance.
Comment: The c.816A>T variant in MYOC is a synonymous variant (p.Arg272=). The highest minor allele frequency of this variant was in the South Asian genetic ancestry group of gnomAD (v4.1.0) = 0.0002087 (19 alleles out of 91,040), which did not meet the PM2_Supporting allele frequency threshold (≤ 0.0001) or the BS1 allele frequency threshold (≥ 0.001). The SpliceAI score = 0.01, which met the ≤ 0.1 threshold for BP4, suggesting that the variant does not impact MYOC function. This synonymous variant meets BP4, so BP7 is met. There was no functional evidence predicting a damaging or benign impact of this variant on MYOC function. Although a proband with primary open angle glaucoma had been reported carrying this variant, PM2_Supporting was not met, therefore PS4 did not apply. In summary, this variant met the criteria to receive a score of -2 and to be classified as likely benign (likely benign classification range -2 to -6, adapted from PMID: 32720330) for primary open angle glaucoma based on the ACMG/AMP criteria met, as specified by the ClinGen Glaucoma VCEP (v2.0.0, 5 Dec 2024): BP4, BP7.

NM_000261.2(MYOC):c.816A>T (p.Arg272=)

Gene: MYOC (myocilin; minus strand). Cytogenetic location: 1q24.3.
Variant type: single nucleotide variant.
Coding change: c.816A>T on transcript NM_000261.2 (MANE Select); coding-DNA position 816, A replaced by T.
Protein change: p.Arg272=; no amino-acid change (arginine 272 retained).
Molecular consequence: synonymous variant.
Genome position (GRCh38, 1-based): chr1:171,636,624, T>A on the plus strand (A>T on the coding strand, the complement: MYOC is on the minus strand). VCF-style: chr1-171636624-T-A. GRCh37 (hg19) VCF-style: chr1-171605764-T-A.
Other names: NM_000261.2:c.816A>T.
Identifiers: ClinVar variation 2570629 (VCV002570629.2), dbSNP rs577408409, ClinGen allele CA1244148.